The following is an entry in ClinVar:

ClinVar aggregate classification (germline): Pathogenic (1 of 4 stars; one submission).

Conditions:
Hereditary cancer-predisposing syndrome. Also called: Neoplastic Syndromes, Hereditary; Tumor predisposition; Hereditary neoplastic syndrome; Hereditary Cancer Syndrome. Identifiers: Orphanet 140162, MedGen C0027672, MeSH D009386, MONDO:0015356.
Cardiovascular phenotype. Identifiers: MedGen CN230736.

Submission:

Ambry Genetics
Classification: Pathogenic for Cardiovascular phenotype; Hereditary cancer-predisposing syndrome. Last evaluated: 2018-01-31. Review status: criteria provided, single submitter. Criteria: Ambry Variant Classification Scheme 2023. Collection method: clinical testing. Allele origin: germline.
Comment: The p.Y1586* pathogenic mutation (also known as c.4758T>G), located in coding exon 35 of the NF1 gene, results from a T to G substitution at nucleotide position 4758. This changes the amino acid from a tyrosine to a stop codon within coding exon 35. This alteration is expected to result in loss of function by premature protein truncation or nonsense-mediated mRNA decay. As such, this alteration is interpreted as a disease-causing mutation.

NM_001042492.3(NF1):c.4821T>G (p.Tyr1607Ter)

Gene: NF1 (neurofibromin 1; plus strand). Cytogenetic location: 17q11.2.
Variant type: single nucleotide variant.
Coding change: c.4821T>G on transcript NM_001042492.3 (MANE Select); coding-DNA position 4821, T replaced by G.
Protein change: p.Tyr1607Ter; replaces tyrosine 1607 with a stop codon.
Molecular consequence: nonsense.
Genome position (GRCh38, 1-based): chr17:31,265,325, T>G. VCF-style: chr17-31265325-T-G. GRCh37 (hg19) VCF-style: chr17-29592343-T-G.
Other names: c.4758T>G, p.Tyr1586Ter (NM_000267.4); short protein forms Y1607*, Y1586*.
Identifiers: ClinVar variation 825148 (VCV000825148.4), dbSNP rs1555619416, ClinGen allele CA399001365.